The following is an entry in ClinVar:

ClinVar aggregate classification (germline): Likely benign (1 of 4 stars; one submission).

Allele frequency attached by ClinVar (database versions not stated): 1000 Genomes Project 30x 0.00219; 1000 Genomes Project 0.00240; gnomAD 0.00505; ExAC 0.00531; ESP Exome Variant Server 0.00533; gnomAD exomes 0.00631.
gnomAD v4.1: 10,049 of 1,613,702 alleles (0.62%); highest among the groups gnomAD compares: Middle Eastern, 1.1%; 48 homozygotes.

Submission:

CeGaT Center for Human Genetics Tuebingen
Classification: Likely benign. Last evaluated: 2023-01-01. Review status: criteria provided, single submitter. Criteria: CeGaT Center For Human Genetics Tuebingen Variant Classification Criteria Version 2. Collection method: clinical testing. Allele origin: germline. Affected: yes. Observed: 1 variant allele.
Comment: ATP23: BS2

NM_033276.4(ATP23):c.686C>T (p.Ala229Val)

Gene: ATP23 (ATP23 metallopeptidase and ATP synthase assembly factor homolog). Cytogenetic location: 12q14.1.
Variant type: single nucleotide variant.
Coding change: c.686C>T on transcript NM_033276.4 (MANE Select); coding-DNA position 686, C replaced by T.
Protein change: p.Ala229Val; replaces alanine 229 with valine.
Molecular consequence: missense variant.
Genome position (GRCh38, 1-based): chr12:57,956,835, C>T. VCF-style: chr12-57956835-C-T. GRCh37 (hg19) VCF-style: chr12-58350618-C-T.
Other names: c.530C>T, p.Ala177Val (NM_001320408.2); c.332C>T, p.Ala111Val (NM_001320409.2, NM_001320410.2); short protein forms A111V, A177V, A229V.
Identifiers: ClinVar variation 2643153 (VCV002643153.24), dbSNP rs117230607, ClinGen allele CA6660921.